The following is an entry in ClinVar:

NM_020937.4(FANCM):c.1237T>C (p.Tyr413His)

Gene: FANCM (FA complementation group M; plus strand). Cytogenetic location: 14q21.2.
Variant type: single nucleotide variant.
Coding change: c.1237T>C on transcript NM_020937.4 (MANE Select); coding-DNA position 1237, T replaced by C.
Protein change: p.Tyr413His; replaces tyrosine 413 with histidine.
Molecular consequence: missense variant.
Genome position (GRCh38, 1-based): chr14:45,154,750, T>C. VCF-style: chr14-45154750-T-C. GRCh37 (hg19) VCF-style: chr14-45623953-T-C.
Other names: c.1159T>C, p.Tyr387His (NM_001308133.2); c.1237T>C, p.Tyr413His (NM_001308134.2); short protein forms Y413H, Y387H.
Identifiers: ClinVar variation 568489 (VCV000568489.49), dbSNP rs138225703, ClinGen allele CA7168974.
Genomic context (GRCh38, chr14:45,154,750, plus strand): 5'-TCTGAAGGGATGACACGGTCAAAAAATGAACTTGGCCGAAATGAAGACTTCATGAAACTC[T>C]ATAATCATCTAGAGTGTATGTTTGCACGTACACGTAGTACTTCAGCAAATGGTATTTCTG-3'
Protein context (NP_065988.1, residues 403-423): LGRNEDFMKL[Tyr413His]NHLECMFART

ClinVar aggregate classification (germline): Conflicting classifications of pathogenicity. Review status: criteria provided, conflicting classifications (1 of 4 stars). 10 submissions from 10 submitters: Uncertain significance (7); Likely benign (2). 1 of the submissions does not count toward it. Last evaluated 2025-10-01.

Conditions:
Spermatogenic failure 28. Identifiers: MedGen C4748117, MONDO:0054732, OMIM 618086.
Premature ovarian failure 15. Identifiers: MedGen C4748170, MONDO:0054862, OMIM 618096.
Hereditary cancer-predisposing syndrome. Also called: Tumor predisposition; Hereditary Cancer Syndrome; Hereditary neoplastic syndrome; Neoplastic Syndromes, Hereditary. Identifiers: Orphanet 140162, MedGen C0027672, MeSH D009386, MONDO:0015356.
FANCM-related disorder. Also called: FANCM-related condition.
Fanconi anemia (FA). Also called: Fanconi's anemia. Identifiers: Orphanet 84, MedGen C0015625, MeSH D005199, MONDO:0019391.

Allele frequency attached by ClinVar (database versions not stated): 1000 Genomes Project 30x 0.00016; 1000 Genomes Project 0.00020; TOPMed 0.00066; gnomAD exomes 0.00069 and 0.00144; ExAC 0.00078; gnomAD 0.00082 and 0.00086; ESP Exome Variant Server 0.00108.

Submissions (10):

CeGaT Center for Human Genetics Tuebingen
Classification: Likely benign. Last evaluated: 2025-10-01. Review status: criteria provided, single submitter. Criteria: CeGaT Center For Human Genetics Tuebingen Variant Classification Criteria Version 2. Collection method: clinical testing. Allele origin: germline. Affected: yes. Observed: 2 variant alleles.
Comment: FANCM: BP4, BS1

GeneDx
Classification: Uncertain significance. Last evaluated: 2025-05-27. Review status: criteria provided, single submitter. Criteria: GeneDx Variant Classification Process June 2021. Collection method: clinical testing. Allele origin: germline. Affected: yes.
Comment: Observed in individuals with breast, ovarian, or colorectal cancer, and also in unaffected controls (PMID: 27713038, 28881617, 30426508, 34326862); In silico analysis supports that this missense variant has a deleterious effect on protein structure/function; This variant is associated with the following publications: (PMID: 30426508, 27713038, 28881617, 34326862)

Quest Diagnostics Nichols Institute San Juan Capistrano
Classification: Likely benign. Last evaluated: 2025-05-13. Review status: criteria provided, single submitter. Criteria: Quest Diagnostics criteria. Collection method: clinical testing. Allele origin: unknown.

Labcorp Genetics (formerly Invitae), Labcorp
Classification: Uncertain significance for Fanconi anemia. Last evaluated: 2025-02-02. Review status: criteria provided, single submitter. Criteria: Invitae Variant Classification Sherloc (09022015). Collection method: clinical testing. Allele origin: germline.
Comment: This sequence change replaces tyrosine, which is neutral and polar, with histidine, which is basic and polar, at codon 413 of the FANCM protein (p.Tyr413His). This variant is present in population databases (rs138225703, gnomAD 0.1%), and has an allele count higher than expected for a pathogenic variant. This missense change has been observed in individual(s) with breast cancer (PMID: 30426508). ClinVar contains an entry for this variant (Variation ID: 568489). An algorithm developed to predict the effect of missense changes on protein structure and function (PolyPhen-2) suggests that this variant¬†is likely to be tolerated. In summary, the available evidence is currently insufficient to determine the role of this variant in disease. Therefore, it has been classified as a Variant of Uncertain Significance.

Blueprint Genetics
Classification: Uncertain significance. Last evaluated: 2024-10-16. Review status: criteria provided, single submitter. Criteria: ACMG Guidelines, 2015. Collection method: clinical testing. Allele origin: germline.

Institute for Clinical Genetics, University Hospital TU Dresden, University Hospital TU Dresden
Classification: Uncertain significance. Last evaluated: 2021-11-03. Review status: criteria provided, single submitter. Criteria: ACMG Guidelines, 2015. Collection method: clinical testing. Allele origin: germline.

Sema4
Classification: Uncertain significance for Hereditary cancer-predisposing syndrome. Last evaluated: 2021-10-08. Review status: criteria provided, single submitter. Criteria: Sema4 Curation Guidelines. Collection method: curation. Allele origin: germline.
Comment: The FANCM c.1237T>C (p.Y413H) variant has been reported in heterozygosity in at least 1 individual with breast cancer (PMID: 30426508). The variant has also been reported in cases and controls in studies investigating colorectal cancer and high grade serous ovarian cancer (PMIDs 27713038, 28881617). This variant was observed in 180/128822 chromosomes in the Non-Finnish European population according to the Genome Aggregation Database (PMID: 32461654). This variant has been reported in ClinVar (Variation ID 568489). Functional studies have not been performed, and in silico predictions of the variant's effect on protein function are inconclusive. Based on the current evidence available, this variant is interpreted as a variant of uncertain significance.

Baylor Genetics
Classification: Uncertain significance for Spermatogenic failure 28. Last evaluated: 2021-02-09. Review status: criteria provided, single submitter. Criteria: ACMG Guidelines, 2015. Collection method: clinical testing. Allele origin: unknown. Affected: yes. Study: CSER-TexasKidsCanSeq.
Comment: This variant was determined to be of uncertain significance according to ACMG Guidelines, 2015 [PMID:25741868].

Fulgent Genetics
Classification: Uncertain significance for Spermatogenic failure 28; Premature ovarian failure 15. Last evaluated: 2018-10-31. Review status: criteria provided, single submitter. Criteria: ACMG Guidelines, 2015. Collection method: clinical testing. Allele origin: unknown.

PreventionGenetics, part of Exact Sciences
Classification: Uncertain significance for FANCM-related condition. Last evaluated: 2024-05-09. Review status: no assertion criteria provided. Collection method: clinical testing. Allele origin: germline. Not counted in ClinVar's aggregate classification.
Comment: The FANCM c.1237T>C variant is predicted to result in the amino acid substitution p.Tyr413His. This variant has been reported in an individuals with breast cancer and/or ovarian cancer, and it has also been reported in controls (Supplemental Table 2, Schubert et al. 2019. PubMed ID: 30426508; Table S4 in Bhai et al. 2021. PubMed ID: 34326862; Supplemental Material in Broderick et al. 2016. PubMed ID: 27713038). This variant is reported in 0.14% of alleles in individuals of European (Non-Finnish) descent in gnomAD and has been interpreted as variant of uncertain significance in the ClinVar database. Although we suspect that this variant may be benign, at this time, the clinical significance of this variant is uncertain due to the absence of conclusive functional and genetic evidence.

Literature cited by the submitters: PubMed 30426508 (cited by 3 submitters); PubMed 27713038 (cited by Quest Diagnostics Nichols Institute San Juan Capistrano); PubMed 28881617 (cited by Quest Diagnostics Nichols Institute San Juan Capistrano); PubMed 34326862 (cited by Quest Diagnostics Nichols Institute San Juan Capistrano).